The following is an entry in ClinVar:

NM_000322.5(PRPH2):c.700T>C (p.Tyr234His)

Gene: PRPH2 (peripherin 2; minus strand). Cytogenetic location: 6p21.1.
Variant type: single nucleotide variant.
Coding change: c.700T>C on transcript NM_000322.5 (MANE Select); coding-DNA position 700, T replaced by C.
Protein change: p.Tyr234His; replaces tyrosine 234 with histidine.
Molecular consequence: missense variant.
Genome position (GRCh38, 1-based): chr6:42,704,493, A>G on the plus strand (T>C on the coding strand, the complement: PRPH2 is on the minus strand). VCF-style: chr6-42704493-A-G. GRCh37 (hg19) VCF-style: chr6-42672231-A-G.
Other names: short protein forms Y234H.
Identifiers: ClinVar variation 1721451 (VCV001721451.5), dbSNP rs2548300762, ClinGen allele CA364135249.

ClinVar aggregate classification (germline): Uncertain significance (1 of 4 stars; one submission).

Conditions:
PRPH2-related disorder. Also called: PRPH2-related condition; PRPH2-related disorders. Identifiers: MedGen CN239395.

Allele frequency attached by ClinVar (database versions not stated): gnomAD exomes below 0.00001.
gnomAD v4.1: 1 of 1,614,134 alleles (0.000062%); highest among the groups gnomAD compares: Non-Finnish European, 0.000085%; no homozygotes.

Submission:

Labcorp Genetics (formerly Invitae), Labcorp
Classification: Uncertain significance for PRPH2-related disorder. Last evaluated: 2023-06-13. Review status: criteria provided, single submitter. Criteria: Invitae Variant Classification Sherloc (09022015). Collection method: clinical testing. Allele origin: germline.
Comment: In summary, the available evidence is currently insufficient to determine the role of this variant in disease. Therefore, it has been classified as a Variant of Uncertain Significance. Advanced modeling of protein sequence and biophysical properties (such as structural, functional, and spatial information, amino acid conservation, physicochemical variation, residue mobility, and thermodynamic stability) performed at Invitae indicates that this missense variant is expected to disrupt PRPH2 protein function. ClinVar contains an entry for this variant (Variation ID: 1721451). This variant has not been reported in the literature in individuals affected with PRPH2-related conditions. This variant is not present in population databases (gnomAD no frequency). This sequence change replaces tyrosine, which is neutral and polar, with histidine, which is basic and polar, at codon 234 of the PRPH2 protein (p.Tyr234His).